The following is an entry in ClinVar:

NM_000755.5(CRAT):c.1001A>G (p.Asp334Gly)

Gene: CRAT (carnitine O-acetyltransferase; minus strand). Cytogenetic location: 9q34.11.
Variant type: single nucleotide variant.
Coding change: c.1001A>G on transcript NM_000755.5 (MANE Select); coding-DNA position 1001, A replaced by G.
Protein change: p.Asp334Gly; replaces aspartic acid 334 with glycine.
Molecular consequence: missense variant.
Genome position (GRCh38, 1-based): chr9:129,099,950, T>C on the plus strand (A>G on the coding strand, the complement: CRAT is on the minus strand). VCF-style: chr9-129099950-T-C. GRCh37 (hg19) VCF-style: chr9-131862229-T-C.
Other names: c.938A>G, p.Asp313Gly (NM_001257363.3, NM_001346548.2, NM_004003.4); c.1004A>G, p.Asp335Gly (NM_001346546.2); c.1001A>G, p.Asp334Gly (NM_001346547.2); c.881A>G, p.Asp294Gly (NM_001346549.2); short protein forms D294G, D313G, D334G, D335G.
Identifiers: ClinVar variation 1972692 (VCV001972692.5), dbSNP rs757814713, ClinGen allele CA5275540.
Genomic context (GRCh38, chr9:129,099,950, plus strand): 5'-AGGGTGACAATAGGGGGCCCCTCCGCTGCAGCATGCTCGTACACAAGCCCACAGGAGCCA[T>C]CTTCTGCCACGATGAACTGTGGAAGGGAAGGGAGACCCCGGTCAGCCCCAGGGCCCTGGG-3'
Protein context (NP_000746.3, residues 324-344): DKTLQFIVAE[Asp334Gly]GSCGLVYEHA

ClinVar aggregate classification (germline): Uncertain significance (1 of 4 stars; one submission).

Allele frequency attached by ClinVar (database versions not stated): gnomAD exomes below 0.00001; ExAC 0.00001.

Submission:

Labcorp Genetics (formerly Invitae), Labcorp
Classification: Uncertain significance. Last evaluated: 2023-11-27. Review status: criteria provided, single submitter. Criteria: Invitae Variant Classification Sherloc (09022015). Collection method: clinical testing. Allele origin: germline.
Comment: This sequence change replaces aspartic acid, which is acidic and polar, with glycine, which is neutral and non-polar, at codon 334 of the CRAT protein (p.Asp334Gly). This variant is present in population databases (rs757814713, gnomAD 0.003%). This variant has not been reported in the literature in individuals affected with CRAT-related conditions. ClinVar contains an entry for this variant (Variation ID: 1972692). Advanced modeling of protein sequence and biophysical properties (such as structural, functional, and spatial information, amino acid conservation, physicochemical variation, residue mobility, and thermodynamic stability) performed at Invitae indicates that this missense variant is not expected to disrupt CRAT protein function with a negative predictive value of 80%. In summary, the available evidence is currently insufficient to determine the role of this variant in disease. Therefore, it has been classified as a Variant of Uncertain Significance.